The following is an entry in ClinVar:

ClinVar aggregate classification (germline): Likely pathogenic (1 of 4 stars; one submission).

Conditions:
Osteogenesis imperfecta type 8 (OI8). Identifiers: MedGen C1970458, MONDO:0012581, OMIM 610915.

Submission:

Labcorp Genetics (formerly Invitae), Labcorp
Classification: Likely pathogenic for Osteogenesis imperfecta type 8. Last evaluated: 2025-09-21. Review status: criteria provided, single submitter. Criteria: Invitae Variant Classification Sherloc (09022015). Collection method: clinical testing. Allele origin: germline.
Comment: This sequence change affects a donor splice site in intron 6 of the P3H1 gene. It is expected to disrupt RNA splicing. Variants that disrupt the donor or acceptor splice site typically lead to a loss of protein function (PMID: 16199547), and loss-of-function variants in P3H1 are known to be pathogenic (PMID: 17277775, 18566967, 19088120, 22281939). This variant is present in population databases (rs72659352, gnomAD 0.0009%). Disruption of this splice site has been observed in individual(s) with osteogenesis imperfecta (PMID: 18566967). Algorithms developed to predict the effect of sequence changes on RNA splicing suggest that this variant may disrupt the consensus splice site. In summary, the currently available evidence indicates that the variant is pathogenic, but additional data are needed to prove that conclusively. Therefore, this variant has been classified as Likely Pathogenic.

Literature cited by the submitters: PubMed 16199547; PubMed 17277775; PubMed 18566967; PubMed 19088120; PubMed 22281939.

NM_022356.4(P3H1):c.1170+2T>A

Gene: P3H1 (prolyl 3-hydroxylase 1; minus strand). Cytogenetic location: 1p34.2.
Variant type: single nucleotide variant.
Coding change: c.1170+2T>A on transcript NM_022356.4 (MANE Select); the canonical splice donor site of the intron after coding-DNA position 1170, T replaced by A.
Molecular consequence: splice donor variant.
Genome position (GRCh38, 1-based): chr1:42,755,546, A>T on the plus strand (T>A on the coding strand, the complement: P3H1 is on the minus strand). VCF-style: chr1-42755546-A-T. GRCh37 (hg19) VCF-style: chr1-43221217-A-T.
Other names: c.1170+2T>A (NM_001146289.2, NM_001243246.2).
Identifiers: ClinVar variation 4799490 (VCV004799490.1).
Genomic context (GRCh38, chr1:42,755,546, plus strand): 5'-CCCATTCATCTCTCCTGCTCACTCTTTCCCCGCTCCCTTCCGGCTCCTGTACCCTAGCTC[A>T]CCGGATCCACAAAGGGAATTCCAAAAACATCATAAGCGAAGAAAAGCAGTTCTTTTTCCA-3'